The following is an entry in ClinVar:

ClinVar aggregate classification (germline): Uncertain significance. Review status: criteria provided, multiple submitters, no conflicts (2 of 4 stars). 2 submissions from 2 submitters: Uncertain significance (2). Last evaluated 2025-06-09.

Submissions (2):

Ambry Genetics
Classification: Uncertain significance. Last evaluated: 2025-06-09. Review status: criteria provided, single submitter. Criteria: Ambry Variant Classification Scheme 2023. Collection method: clinical testing. Allele origin: germline.

Labcorp Genetics (formerly Invitae), Labcorp
Classification: Uncertain significance. Last evaluated: 2024-05-29. Review status: criteria provided, single submitter. Criteria: Invitae Variant Classification Sherloc (09022015). Collection method: clinical testing. Allele origin: germline.
Comment: This sequence change replaces glutamine, which is neutral and polar, with leucine, which is neutral and non-polar, at codon 854 of the MCM2 protein (p.Gln854Leu). This variant is present in population databases (no rsID available, gnomAD 0.007%). This variant has not been reported in the literature in individuals affected with MCM2-related conditions. Advanced modeling of protein sequence and biophysical properties (such as structural, functional, and spatial information, amino acid conservation, physicochemical variation, residue mobility, and thermodynamic stability) performed at Invitae indicates that this missense variant is not expected to disrupt MCM2 protein function with a negative predictive value of 80%. In summary, the available evidence is currently insufficient to determine the role of this variant in disease. Therefore, it has been classified as a Variant of Uncertain Significance.

NM_004526.4(MCM2):c.2561A>T (p.Gln854Leu)

Genes: MCM2 (minichromosome maintenance complex component 2; plus strand), LOC107986126 (uncharacterized LOC107986126; minus strand). Cytogenetic location: 3q21.3.
Variant type: single nucleotide variant.
Coding change: c.2561A>T on transcript NM_004526.4 (MANE Select); coding-DNA position 2561, A replaced by T.
Protein change: p.Gln854Leu; replaces glutamine 854 with leucine.
Molecular consequence: missense variant. On other transcripts: non-coding transcript variant (1).
Genome position (GRCh38, 1-based): chr3:127,621,185, A>T. VCF-style: chr3-127621185-A-T. GRCh37 (hg19) VCF-style: chr3-127340028-A-T.
Other names: c.2561A>T (NM_004526.2); short protein forms Q854L.
Identifiers: ClinVar variation 3616875 (VCV003616875.3).